The following is an entry in ClinVar:

ClinVar aggregate classification (germline): Uncertain significance. Review status: criteria provided, multiple submitters, no conflicts (2 of 4 stars). 2 submissions from 2 submitters: Uncertain significance (2). Last evaluated 2021-05-18.

Conditions:
Cardiovascular phenotype. Identifiers: MedGen CN230736.
Alstrom syndrome (ALMS). Identifiers: Orphanet 64, MedGen C0268425, MONDO:0008763, OMIM 203800.

Allele frequency attached by ClinVar (database versions not stated): gnomAD exomes below 0.00001; ExAC 0.00001; gnomAD 0.00001; TOPMed 0.00001.
gnomAD v4.1: 3 of 1,613,458 alleles (0.00019%); highest among the groups gnomAD compares: Non-Finnish European, 0.00025%; no homozygotes.

Submissions (2):

Labcorp Genetics (formerly Invitae), Labcorp
Classification: Uncertain significance for Alstrom syndrome. Last evaluated: 2021-05-18. Review status: criteria provided, single submitter. Criteria: Invitae Variant Classification Sherloc (09022015). Collection method: clinical testing. Allele origin: germline.
Comment: This sequence change replaces asparagine with serine at codon 2085 of the ALMS1 protein (p.Asn2085Ser). The asparagine residue is moderately conserved and there is a small physicochemical difference between asparagine and serine. This variant is present in population databases (rs771084714, ExAC 0.002%). This variant has not been reported in the literature in individuals with ALMS1-related conditions. Experimental studies and prediction algorithms are not available or were not evaluated, and the functional significance of this variant is currently unknown. In summary, the available evidence is currently insufficient to determine the role of this variant in disease. Therefore, it has been classified as a Variant of Uncertain Significance.

Ambry Genetics
Classification: Uncertain significance for Cardiovascular phenotype. Last evaluated: 2019-09-28. Review status: criteria provided, single submitter. Criteria: Ambry Variant Classification Scheme 2023. Collection method: clinical testing. Allele origin: germline.
Comment: The p.N2085S variant (also known as c.6254A>G), located in coding exon 8 of the ALMS1 gene, results from an A to G substitution at nucleotide position 6254. The asparagine at codon 2085 is replaced by serine, an amino acid with highly similar properties. This amino acid position is not well conserved in available vertebrate species. In addition, this alteration is predicted to be tolerated by in silico analysis. Since supporting evidence is limited at this time, the clinical significance of this alteration remains unclear.

NM_001378454.1(ALMS1):c.6251A>G (p.Asn2084Ser)

Gene: ALMS1 (ALMS1 centrosome and basal body associated protein; plus strand). Cytogenetic location: 2p13.1.
Variant type: single nucleotide variant.
Coding change: c.6251A>G on transcript NM_001378454.1 (MANE Select); coding-DNA position 6251, A replaced by G.
Protein change: p.Asn2084Ser; replaces asparagine 2084 with serine.
Molecular consequence: missense variant.
Genome position (GRCh38, 1-based): chr2:73,452,778, A>G. VCF-style: chr2-73452778-A-G. GRCh37 (hg19) VCF-style: chr2-73679905-A-G.
Other names: c.6254A>G, p.Asn2085Ser (NM_015120.4); short protein forms N2084S, N2085S.
Identifiers: ClinVar variation 1382155 (VCV001382155.5), dbSNP rs771084714, ClinGen allele CA1714036.